The following is an entry in ClinVar:

NM_006019.4(TCIRG1):c.307C>T (p.Arg103Cys)

Gene: TCIRG1 (T cell immune regulator 1, ATPase H+ transporting V0 subunit a3; plus strand). Cytogenetic location: 11q13.2.
Variant type: single nucleotide variant.
Coding change: c.307C>T on transcript NM_006019.4 (MANE Select); coding-DNA position 307, C replaced by T.
Protein change: p.Arg103Cys; replaces arginine 103 with cysteine.
Molecular consequence: missense variant. On other transcripts: 5 prime UTR variant (1).
Genome position (GRCh38, 1-based): chr11:68,042,753, C>T. VCF-style: chr11-68042753-C-T. GRCh37 (hg19) VCF-style: chr11-67810220-C-T.
Other names: c.-943C>T (NM_001351059.2); short protein forms R103C.
Identifiers: ClinVar variation 709255 (VCV000709255.16), dbSNP rs771198568, ClinGen allele CA6146694.

ClinVar aggregate classification (germline): Conflicting classifications of pathogenicity. Review status: criteria provided, conflicting classifications (1 of 4 stars). 5 submissions from 5 submitters: Uncertain significance (1); Benign (2). 2 of the submissions do not count toward it. Last evaluated 2026-01-30.

Conditions:
Inborn genetic diseases. Identifiers: MedGen C0950123, MeSH D030342.
TCIRG1-related disorder. Also called: TCIRG1-related condition.
Autosomal recessive osteopetrosis 1. Also called: TCIRG1-Related Autosomal Recessive Osteopetrosis; ALBERS-SCHONBERG DISEASE, AUTOSOMAL RECESSIVE; TCIRG1-Related Osteopetrosis. Identifiers: Orphanet 667, MedGen C1850127, MONDO:0009815, OMIM 259700.

Allele frequency attached by ClinVar (database versions not stated): gnomAD 0.00006; ExAC 0.00008; 1000 Genomes Project 30x 0.00016; gnomAD exomes 0.00093; TOPMed 0.00136.
gnomAD v4.1: 397 of 1,547,392 alleles (0.026%); highest among the groups gnomAD compares: Admixed American, 0.76%; 13 homozygotes.

Submissions (5):

Labcorp Genetics (formerly Invitae), Labcorp
Classification: Benign. Last evaluated: 2026-01-30. Review status: criteria provided, single submitter. Criteria: Invitae Variant Classification Sherloc (09022015). Collection method: clinical testing. Allele origin: germline.

Ambry Genetics
Classification: Uncertain significance for Inborn genetic diseases. Last evaluated: 2021-09-15. Review status: criteria provided, single submitter. Criteria: Ambry Variant Classification Scheme 2023. Collection method: clinical testing. Allele origin: germline.

Breakthrough Genomics
Classification: Benign. Review status: criteria provided, single submitter. Criteria: ACMG Guidelines, 2015. Collection method: not provided. Allele origin: germline. Inheritance: Autosomal recessive inheritance. Affected: yes.

Natera, Inc.
Classification: Benign for Infantile malignant osteopetrosis. Last evaluated: 2020-04-15. Review status: no assertion criteria provided. Collection method: clinical testing. Allele origin: germline. Not counted in ClinVar's aggregate classification.

PreventionGenetics, part of Exact Sciences
Classification: Likely benign for TCIRG1-related condition. Last evaluated: 2020-01-13. Review status: no assertion criteria provided. Collection method: clinical testing. Allele origin: germline. Not counted in ClinVar's aggregate classification.
Comment: This variant is classified as likely benign based on ACMG/AMP sequence variant interpretation guidelines (Richards et al. 2015 PMID: 25741868, with internal and published modifications).